The following is an entry in ClinVar:

ClinVar aggregate classification (germline): Uncertain significance. Review status: criteria provided, multiple submitters, no conflicts (2 of 4 stars). 3 submissions from 3 submitters: Uncertain significance (3). Last evaluated 2025-11-10.

Conditions:
Anterior segment dysgenesis 7 (ASGD7). Also called: Anterior segment dysgenesis 7, with sclerocornea; SCLEROCORNEA WITH OTHER OCULAR ANOMALIES. Identifiers: Orphanet 289499, MedGen C3151617, MONDO:0010015, OMIM 269400.
Inborn genetic diseases. Identifiers: MedGen C0950123, MeSH D030342.
PXDN-related disorder. Also called: PXDN-related condition.

Allele frequency attached by ClinVar (database versions not stated): gnomAD exomes below 0.00001; gnomAD 0.00001; TOPMed 0.00002.
gnomAD v4.1: 2 of 1,613,814 alleles (0.00012%); highest among the groups gnomAD compares: Admixed American, 0.0033%; no homozygotes.

Submissions (3):

PreventionGenetics, part of Exact Sciences
Classification: Uncertain significance for PXDN-related condition. Last evaluated: 2025-11-10. Review status: criteria provided, single submitter. Criteria: ACMG Guidelines, 2015. Collection method: clinical testing. Allele origin: germline.
Comment: The PXDN c.2369A>T variant is predicted to result in the amino acid substitution p.His790Leu. To our knowledge, this variant has not been reported in the literature or in a large population database (gnomAD), indicating this variant is rare. At this time, the clinical significance of this variant is uncertain due to the absence of conclusive functional and genetic evidence.

Ambry Genetics
Classification: Uncertain significance for Inborn genetic diseases. Last evaluated: 2023-12-15. Review status: criteria provided, single submitter. Criteria: Ambry Variant Classification Scheme 2023. Collection method: clinical testing. Allele origin: germline.

Labcorp Genetics (formerly Invitae), Labcorp
Classification: Uncertain significance for Anterior segment dysgenesis 7. Last evaluated: 2021-08-27. Review status: criteria provided, single submitter. Criteria: Invitae Variant Classification Sherloc (09022015). Collection method: clinical testing. Allele origin: germline.
Comment: This sequence change replaces histidine with leucine at codon 790 of the PXDN protein (p.His790Leu). The histidine residue is moderately conserved and there is a moderate physicochemical difference between histidine and leucine. This variant is not present in population databases (ExAC no frequency). This variant has not been reported in the literature in individuals affected with PXDN-related conditions. Algorithms developed to predict the effect of missense changes on protein structure and function (SIFT, PolyPhen-2, Align-GVGD) all suggest that this variant is likely to be tolerated. In summary, the available evidence is currently insufficient to determine the role of this variant in disease. Therefore, it has been classified as a Variant of Uncertain Significance.

NM_012293.3(PXDN):c.2369A>T (p.His790Leu)

Gene: PXDN (peroxidasin; minus strand). Cytogenetic location: 2p25.3.
Variant type: single nucleotide variant.
Coding change: c.2369A>T on transcript NM_012293.3 (MANE Select); coding-DNA position 2369, A replaced by T.
Protein change: p.His790Leu; replaces histidine 790 with leucine.
Molecular consequence: missense variant.
Genome position (GRCh38, 1-based): chr2:1,649,411, T>A on the plus strand (A>T on the coding strand, the complement: PXDN is on the minus strand). VCF-style: chr2-1649411-T-A. GRCh37 (hg19) VCF-style: chr2-1653183-T-A.
Other names: c.2369A>T (NM_012293.1, NM_012293.2); short protein forms H790L.
Identifiers: ClinVar variation 1018179 (VCV001018179.7), dbSNP rs1682956712, ClinGen allele CA345707746.